The following is an entry in ClinVar:

NM_004380.3(CREBBP):c.318G>T (p.Gln106His)

Gene: CREBBP (CREB binding lysine acetyltransferase; minus strand). Cytogenetic location: 16p13.3.
Variant type: single nucleotide variant.
Coding change: c.318G>T on transcript NM_004380.3 (MANE Select); coding-DNA position 318, G replaced by T.
Protein change: p.Gln106His; replaces glutamine 106 with histidine.
Molecular consequence: missense variant.
Genome position (GRCh38, 1-based): chr16:3,850,777, C>A on the plus strand (G>T on the coding strand, the complement: CREBBP is on the minus strand). VCF-style: chr16-3850777-C-A. GRCh37 (hg19) VCF-style: chr16-3900778-C-A.
Other names: c.318G>T, p.Gln106His (NM_001079846.1); c.318G>T (NM_004380.2); short protein forms Q106H.
Identifiers: ClinVar variation 2034417 (VCV002034417.4), dbSNP rs764200811, ClinGen allele CA276987413.

ClinVar aggregate classification (germline): Uncertain significance. Review status: criteria provided, multiple submitters, no conflicts (2 of 4 stars). 3 submissions from 3 submitters: Uncertain significance (3). Last evaluated 2025-11-06.

Conditions:
CREBBP-related disorder. Also called: CREBBP-related disorders; CREBBP-related condition.
Rubinstein-Taybi syndrome (RSTS). Identifiers: Orphanet 783, MedGen C0035934, MONDO:0019188.

gnomAD v4.1: 24 of 1,613,996 alleles (0.0015%); highest among the groups gnomAD compares: Non-Finnish European, 0.0019%; no homozygotes.

Submissions (3):

PreventionGenetics, part of Exact Sciences
Classification: Uncertain significance for CREBBP-related condition. Last evaluated: 2025-11-06. Review status: criteria provided, single submitter. Criteria: ACMG Guidelines, 2015. Collection method: clinical testing. Allele origin: germline.
Comment: The CREBBP c.318G>T variant is predicted to result in the amino acid substitution p.Gln106His. To our knowledge, this variant has not been reported in the literature. This variant is reported in 0.0029% of alleles in individuals of Latino descent in gnomAD. At this time, the clinical significance of this variant is uncertain due to the absence of conclusive functional and genetic evidence.

Labcorp Genetics (formerly Invitae), Labcorp
Classification: Uncertain significance for Rubinstein-Taybi syndrome. Last evaluated: 2025-03-06. Review status: criteria provided, single submitter. Criteria: Invitae Variant Classification Sherloc (09022015). Collection method: clinical testing. Allele origin: germline.
Comment: This sequence change replaces glutamine, which is neutral and polar, with histidine, which is basic and polar, at codon 106 of the CREBBP protein (p.Gln106His). This variant is present in population databases (no rsID available, gnomAD 0.003%). This variant has not been reported in the literature in individuals affected with CREBBP-related conditions. ClinVar contains an entry for this variant (Variation ID: 2034417). Invitae Evidence Modeling of protein sequence and biophysical properties (such as structural, functional, and spatial information, amino acid conservation, physicochemical variation, residue mobility, and thermodynamic stability) indicates that this missense variant is not expected to disrupt CREBBP protein function with a negative predictive value of 95%. In summary, the available evidence is currently insufficient to determine the role of this variant in disease. Therefore, it has been classified as a Variant of Uncertain Significance.

Blueprint Genetics
Classification: Uncertain significance. Last evaluated: 2023-10-18. Review status: criteria provided, single submitter. Criteria: ACMG Guidelines, 2015. Collection method: clinical testing. Allele origin: germline.